The following is an entry in ClinVar:

ClinVar aggregate classification (germline): Likely benign. Review status: criteria provided, single submitter (1 of 4 stars). 2 submissions from 2 submitters: Likely benign (1). 1 of the submissions does not count toward it. Last evaluated 2022-11-01.

Conditions:
FEZF2-related disorder. Also called: FEZF2-related condition.

Submissions (2):

CeGaT Center for Human Genetics Tuebingen
Classification: Likely benign. Last evaluated: 2022-11-01. Review status: criteria provided, single submitter. Criteria: CeGaT Center For Human Genetics Tuebingen Variant Classification Criteria Version 2. Collection method: clinical testing. Allele origin: germline. Affected: yes. Observed: 1 variant allele.
Comment: FEZF2: BS2

PreventionGenetics, part of Exact Sciences
Classification: Likely benign for FEZF2-related condition. Last evaluated: 2022-02-28. Review status: no assertion criteria provided. Collection method: clinical testing. Allele origin: germline. Not counted in ClinVar's aggregate classification.
Comment: This variant is classified as likely benign based on ACMG/AMP sequence variant interpretation guidelines (Richards et al. 2015 PMID: 25741868, with internal and published modifications).

NM_018008.4(FEZF2):c.333CGG[7] (p.Gly117_Ala118insGlyGly)

Gene: FEZF2 (FEZ family zinc finger 2; minus strand). Cytogenetic location: 3p14.2.
Variant type: Microsatellite.
Coding change: c.333CGG[7] on transcript NM_018008.4 (MANE Select); seven copies in a row of the 3-base unit CGG starting at c.333; the reference has five copies in a row; two copies, 6 bases duplicated.
Protein change: p.Gly117_Ala118insGlyGly.
Molecular consequence: inframe insertion.
Genome position (GRCh38, 1-based): chr3:62,372,522-62,372,527, CCGCCG duplicated on the plus strand (CGGCGG on the coding strand, the reverse complement: FEZF2 is on the minus strand); duplicating any 6 consecutive bases within chr3:62,372,522-62,372,538 gives the same sequence; the position shown is the placement nearest the transcript's 3' end. VCF-style (leftmost placement, unchanged base first): chr3-62372521-C-CCCGCCG. GRCh37 (hg19) VCF-style: chr3-62358196-C-CCCGCCG.
Other names: c.342_347dup6 (NM_018008.3).
Identifiers: ClinVar variation 2653935 (VCV002653935.25), dbSNP rs753783625, ClinGen allele CA2476011.